The following is an entry in ClinVar:

ClinVar aggregate classification (germline): Uncertain significance. Review status: criteria provided, multiple submitters, no conflicts (2 of 4 stars). 9 submissions from 9 submitters: Uncertain significance (5). 4 of the submissions do not count toward it. Last evaluated 2025-08-29.

Conditions:
Cardiovascular phenotype. Identifiers: MedGen CN230736.
Cardiomyopathy (CMYO). Also called: Cardiomyopathies. Identifiers: Orphanet 167848, MedGen C0878544, MONDO:0004994, HP:0001638. Inheritance: Various modes of inheritance.
Hypertrophic cardiomyopathy. Also called: HYPERTROPHIC MYOCARDIOPATHY. Identifiers: Orphanet 217569, MedGen C0007194, MeSH D002312, MONDO:0005045, HP:0001639.

Allele frequency attached by ClinVar (database versions not stated): ExAC 0.00001; gnomAD exomes 0.00001 and 0.00002; gnomAD 0.00002; TOPMed 0.00002.
gnomAD v4.1: 21 of 1,613,944 alleles (0.0013%); highest among the groups gnomAD compares: Middle Eastern, 0.016%; no homozygotes.

Submissions (9):

Labcorp Genetics (formerly Invitae), Labcorp
Classification: Uncertain significance for Hypertrophic cardiomyopathy. Last evaluated: 2025-08-29. Review status: criteria provided, single submitter. Criteria: Invitae Variant Classification Sherloc (09022015). Collection method: clinical testing. Allele origin: germline.
Comment: This sequence change replaces arginine, which is basic and polar, with cysteine, which is neutral and slightly polar, at codon 63 of the MYL3 protein (p.Arg63Cys). This variant is present in population databases (rs565312070, gnomAD 0.003%). This missense change has been observed in individual(s) with hypertrophic cardiomyopathy (PMID: 25086479, 27532257, 30847666, 37652022). ClinVar contains an entry for this variant (Variation ID: 177931). An algorithm developed to predict the effect of missense changes on protein structure and function (PolyPhen-2) suggests that this variant is likely to be disruptive. In summary, the available evidence is currently insufficient to determine the role of this variant in disease. Therefore, it has been classified as a Variant of Uncertain Significance.

Color Diagnostics, LLC DBA Color Health
Classification: Uncertain significance for Cardiomyopathy. Last evaluated: 2025-06-09. Review status: criteria provided, single submitter. Criteria: ACMG Guidelines, 2015. Collection method: clinical testing. Allele origin: germline.
Comment: This missense variant replaces arginine with cysteine at codon 63 of the MYL3 protein. Computational prediction suggests that this variant may have a deleterious impact on protein structure and function. To our knowledge, functional studies have not been reported for this variant. This variant has been reported in individuals affected with hypertrophic cardiomyopathy (PMID: 25086479, 27532257, 33495597). This variant has been identified in 4/251464 chromosomes in the general population by the Genome Aggregation Database (gnomAD). The available evidence is insufficient to determine the role of this variant in disease conclusively. Therefore, this variant is classified as a Variant of Uncertain Significance.

Ambry Genetics
Classification: Uncertain significance for Cardiovascular phenotype. Last evaluated: 2024-07-18. Review status: criteria provided, single submitter. Criteria: Ambry Variant Classification Scheme 2023. Collection method: clinical testing. Allele origin: germline.
Comment: The p.R63C variant (also known as c.187C>T), located in coding exon 3 of the MYL3 gene, results from a C to T substitution at nucleotide position 187. The arginine at codon 63 is replaced by cysteine, an amino acid with highly dissimilar properties. This alteration has been reported in hypertrophic cardiomyopathy cohorts (Chiou KR et al. J Cardiol, 2015 Mar;65:250-6; Walsh R et al. Genet Med, 2017 Feb;19:192-203; van Lint FHM et al. Neth Heart J, 2019 Jun;27:304-309; Harper AR et al. Nat Genet, 2021 Feb;53:135-142). This amino acid position is highly conserved in available vertebrate species. In addition, the in silico prediction for this alteration is inconclusive. Based on the available evidence, the clinical significance of this variant remains unclear.

All of Us Research Program, National Institutes of Health
Classification: Uncertain significance for Hypertrophic cardiomyopathy. Last evaluated: 2023-08-15. Review status: criteria provided, single submitter. Criteria: ACMG Guidelines, 2015. Collection method: clinical testing. Allele origin: germline. Inheritance: Autosomal dominant inheritance. Observed: 2 variant alleles, 2 heterozygotes.
Comment: This missense variant replaces arginine with cysteine at codon 63 of the MYL3 protein. Computational prediction suggests that this variant may have deleterious impact on protein structure and function (internally defined REVEL score threshold >= 0.7, PMID: 27666373). To our knowledge, functional studies have not been reported for this variant. This variant has been reported in individuals affected with hypertrophic cardiomyopathy (PMID: 25086479, 27532257). This variant has been identified in 4/251464 chromosomes in the general population by the Genome Aggregation Database (gnomAD). The available evidence is insufficient to determine the role of this variant in disease conclusively. Therefore, this variant is classified as a Variant of Uncertain Significance.

This study involves interpretation of variants in research participants for the purpose of population health screening. Participant phenotype was not available at the time of variant classification. Additional details can be found in publication PMID: 35346344, PMCID: PMC8962531

Laboratory for Molecular Medicine, Mass General Brigham Personalized Medicine
Classification: Uncertain significance. Last evaluated: 2013-02-13. Review status: criteria provided, single submitter. Criteria: LMM Criteria. Collection method: clinical testing. Allele origin: germline. Observed: 1 variant allele.
Comment: proposed classification - variant undergoing re-assessment, contact laboratory

Clinical Genetics DNA and cytogenetics Diagnostics Lab, Erasmus MC, Erasmus Medical Center
Classification: Uncertain significance. Review status: no assertion criteria provided. Collection method: clinical testing. Allele origin: germline. Affected: yes. Study: VKGL Data-share Consensus. Not counted in ClinVar's aggregate classification.

Clinical Genetics, Academic Medical Center
Classification: Uncertain significance. Review status: no assertion criteria provided. Collection method: clinical testing. Allele origin: germline. Affected: yes. Study: VKGL Data-share Consensus. Not counted in ClinVar's aggregate classification.

Genome Diagnostics Laboratory, University Medical Center Utrecht
Classification: Uncertain significance. Review status: no assertion criteria provided. Collection method: clinical testing. Allele origin: germline. Affected: yes. Study: VKGL Data-share Consensus. Not counted in ClinVar's aggregate classification.

Joint Genome Diagnostic Labs from Nijmegen and Maastricht, Radboudumc and MUMC+
Classification: Uncertain significance. Review status: no assertion criteria provided. Collection method: clinical testing. Allele origin: germline. Affected: yes. Study: VKGL Data-share Consensus. Not counted in ClinVar's aggregate classification.

Literature cited by the submitters: PubMed 25086479 (cited by 4 submitters); PubMed 27532257 (cited by 4 submitters); PubMed 30847666 (cited by Labcorp Genetics (formerly Invitae), Labcorp and Ambry Genetics); PubMed 37652022 (cited by Labcorp Genetics (formerly Invitae), Labcorp); PubMed 33495597 (cited by Color Diagnostics, LLC DBA Color Health and Ambry Genetics).

NM_000258.3(MYL3):c.187C>T (p.Arg63Cys)

Gene: MYL3 (myosin light chain 3; minus strand). Cytogenetic location: 3p21.31.
Variant type: single nucleotide variant.
Coding change: c.187C>T on transcript NM_000258.3 (MANE Select); coding-DNA position 187, C replaced by T.
Protein change: p.Arg63Cys; replaces arginine 63 with cysteine.
Molecular consequence: missense variant.
Genome position (GRCh38, 1-based): chr3:46,860,796, G>A on the plus strand (C>T on the coding strand, the complement: MYL3 is on the minus strand). VCF-style: chr3-46860796-G-A. GRCh37 (hg19) VCF-style: chr3-46902286-G-A.
Other names: short protein forms R63C.
Identifiers: ClinVar variation 177931 (VCV000177931.24), dbSNP rs565312070, ClinGen allele CA013615.